The following is an entry in ClinVar:

NM_000465.4(BARD1):c.765T>C (p.Asn255=)

Gene: BARD1 (BRCA1 associated RING domain 1; minus strand). Cytogenetic location: 2q35.
Variant type: single nucleotide variant.
Coding change: c.765T>C on transcript NM_000465.4 (MANE Select); coding-DNA position 765, T replaced by C.
Protein change: p.Asn255=; no amino-acid change (asparagine 255 retained).
Molecular consequence: synonymous variant. On other transcripts: non-coding transcript variant (2), intron variant (3).
Genome position (GRCh38, 1-based): chr2:214,781,109, A>G on the plus strand (T>C on the coding strand, the complement: BARD1 is on the minus strand). VCF-style: chr2-214781109-A-G. GRCh37 (hg19) VCF-style: chr2-215645833-A-G.
Other names: c.708T>C, p.Asn236= (NM_001282543.2); c.158+28303T>C (NM_001282548.2); c.215+15952T>C (NM_001282545.2); c.364+11188T>C (NM_001282549.2); c.765T>C (NM_000465.2).
Identifiers: ClinVar variation 712218 (VCV000712218.17), dbSNP rs754775017, ClinGen allele CA2090381.
Genomic context (GRCh38, chr2:214,781,109, plus strand): 5'-TAAACTTCCAAAACATTCAGATTCTGTCAAGGAGCCACTTGCTAGTAAGTCTATTTCACC[A>G]TTTATCTGAGGACTGGAGATAACAGATGGTTGGCTACAGAAGGATACCAGCTTTTGCTTA-3'
Protein context (NP_000456.2, residues 245-265): QPSVISSPQI[Asn255=]GEIDLLASGS

ClinVar aggregate classification (germline): Benign/Likely benign. Review status: criteria provided, multiple submitters, no conflicts (2 of 4 stars). 5 submissions from 5 submitters: Benign (1); Likely benign (4). Last evaluated 2025-07-27.

Conditions:
Hereditary cancer-predisposing syndrome. Also called: Hereditary Cancer Syndrome; Tumor predisposition; Hereditary neoplastic syndrome; Neoplastic Syndromes, Hereditary. Identifiers: Orphanet 140162, MedGen C0027672, MeSH D009386, MONDO:0015356.
Familial cancer of breast. Also called: BREAST CANCER, FAMILIAL; Hereditary breast cancer; hereditary breast carcinoma. Identifiers: Orphanet 227535, MedGen C0346153, MONDO:0016419, OMIM 114480. Disease mechanism: loss of function.

Allele frequency attached by ClinVar (database versions not stated): gnomAD exomes below 0.00001 and 0.00001; ExAC 0.00001.
gnomAD v4.1: 2 of 1,582,258 alleles (0.00013%); highest among the groups gnomAD compares: Admixed American, 0.0037%; no homozygotes.

Submissions (5):

Labcorp Genetics (formerly Invitae), Labcorp
Classification: Likely benign for Familial cancer of breast. Last evaluated: 2025-07-27. Review status: criteria provided, single submitter. Criteria: Invitae Variant Classification Sherloc (09022015). Collection method: clinical testing. Allele origin: germline.

Myriad Genetics, Inc.
Classification: Benign for Familial cancer of breast. Last evaluated: 2024-07-22. Review status: criteria provided, single submitter. Criteria: Myriad Autosomal Dominant, Autosomal Recessive and X-Linked Classification Criteria (2023). Collection method: clinical testing. Allele origin: unknown.
Comment: This variant is considered benign. This variant is a silent/synonymous amino acid change and it is not expected to impact splicing.

Ambry Genetics
Classification: Likely benign for Hereditary cancer-predisposing syndrome. Last evaluated: 2023-02-04. Review status: criteria provided, single submitter. Criteria: Ambry Variant Classification Scheme 2023. Collection method: clinical testing. Allele origin: germline.

Quest Diagnostics Nichols Institute San Juan Capistrano
Classification: Likely benign. Last evaluated: 2022-11-07. Review status: criteria provided, single submitter. Criteria: Quest Diagnostics criteria. Collection method: clinical testing. Allele origin: unknown.

Color Diagnostics, LLC DBA Color Health
Classification: Likely benign for Hereditary cancer-predisposing syndrome. Last evaluated: 2021-01-19. Review status: criteria provided, single submitter. Criteria: ACMG Guidelines, 2015. Collection method: clinical testing. Allele origin: germline.